The following is an entry in ClinVar:

ClinVar aggregate classification (germline): Benign/Likely benign. Review status: criteria provided, multiple submitters, no conflicts (2 of 4 stars). 3 submissions from 3 submitters: Benign (1); Likely benign (2). Last evaluated 2026-02-01.

Conditions:
Pyruvate carboxylase deficiency. Also called: LEIGH NECROTIZING ENCEPHALOPATHY DUE TO PYRUVATE CARBOXYLASE DEFICIENCY; LEIGH SYNDROME DUE TO PYRUVATE CARBOXYLASE DEFICIENCY; PC DEFICIENCY; ATAXIA WITH LACTIC ACIDOSIS II; Pyruvate Carboxylase Deficiency Disease. Identifiers: Orphanet 3008, MedGen C0034341, MONDO:0009949, OMIM 266150.

Allele frequency attached by ClinVar (database versions not stated): gnomAD exomes 0.00013 and 0.00005; ESP Exome Variant Server 0.00023; gnomAD 0.00031 and 0.00033; TOPMed 0.00036; 1000 Genomes Project 0.00120; 1000 Genomes Project 30x 0.00141; ExAC 0.00012.
gnomAD v4.1: 128 of 1,591,064 alleles (0.008%); highest among the groups gnomAD compares: African/African-American, 0.079%; no homozygotes.

Submissions (3):

Labcorp Genetics (formerly Invitae), Labcorp
Classification: Likely benign for Pyruvate carboxylase deficiency. Last evaluated: 2026-02-01. Review status: criteria provided, single submitter. Criteria: Invitae Variant Classification Sherloc (09022015). Collection method: clinical testing. Allele origin: germline.

GeneDx
Classification: Benign. Last evaluated: 2014-09-05. Review status: criteria provided, single submitter. Criteria: GeneDx Variant Classification (06012015). Collection method: clinical testing. Allele origin: germline. Affected: yes.
Comment: This variant is considered likely benign or benign based on one or more of the following criteria: it is a conservative change, it occurs at a poorly conserved position in the protein, it is predicted to be benign by multiple in silico algorithms, and/or has population frequency not consistent with disease.

Breakthrough Genomics
Classification: Likely benign. Review status: criteria provided, single submitter. Criteria: ACMG Guidelines, 2015. Collection method: not provided. Allele origin: germline. Inheritance: Autosomal recessive inheritance. Affected: yes.

NM_001040716.2(PC):c.1551C>T (p.Pro517=)

Gene: PC (pyruvate carboxylase; minus strand). Cytogenetic location: 11q13.2.
Variant type: single nucleotide variant.
Coding change: c.1551C>T on transcript NM_001040716.2 (MANE Select); coding-DNA position 1551, C replaced by T.
Protein change: p.Pro517=; no amino-acid change (proline 517 retained).
Molecular consequence: synonymous variant.
Genome position (GRCh38, 1-based): chr11:66,852,799, G>A on the plus strand (C>T on the coding strand, the complement: PC is on the minus strand). VCF-style: chr11-66852799-G-A. GRCh37 (hg19) VCF-style: chr11-66620270-G-A.
Other names: p.P517P:CCC>CCT; c.1551C>T, p.Pro517= (NM_000920.4, NM_022172.3).
Identifiers: ClinVar variation 203895 (VCV000203895.13), dbSNP rs140746469, ClinGen allele CA312845.
Genomic context (GRCh38, chr11:66,852,799, plus strand): 5'-TCACCTACCTATGGGCACTGCAGGGACAACGGGGTCCGTGGGGCTGGGGCTGGCCTTGAC[G>A]GGAATCGGGGTGGTTGGACCGTTTACCATGACATGGCCTGGGGAGAAAGCGGGCAGTGGG-3'
Protein context (NP_001035806.1, residues 507-527): VMVNGPTTPI[Pro517=]VKASPSPTDP